The following is an entry in ClinVar:

ClinVar aggregate classification (germline): Uncertain significance (1 of 4 stars; one submission).

Conditions:
Hereditary cancer-predisposing syndrome. Also called: Neoplastic Syndromes, Hereditary; Tumor predisposition; Hereditary Cancer Syndrome; Hereditary neoplastic syndrome. Identifiers: Orphanet 140162, MedGen C0027672, MeSH D009386, MONDO:0015356.

Submission:

Color Diagnostics, LLC DBA Color Health
Classification: Uncertain significance for Hereditary cancer-predisposing syndrome. Last evaluated: 2023-01-03. Review status: criteria provided, single submitter. Criteria: ACMG Guidelines, 2015. Collection method: clinical testing. Allele origin: germline.
Comment: This missense variant replaces alanine with aspartic acid at codon 513 of the CHEK2 protein. Computational prediction suggests that this variant may not impact protein structure and function (internally defined REVEL score threshold <= 0.5, PMID: 27666373). To our knowledge, functional studies have not been reported for this variant. This variant has not been reported in individuals affected with CHEK2-related disorders in the literature. This variant has not been identified in the general population by the Genome Aggregation Database (gnomAD). The available evidence is insufficient to determine the role of this variant in disease conclusively. Therefore, this variant is classified as a Variant of Uncertain Significance.

NM_007194.4(CHEK2):c.1538C>A (p.Ala513Asp)

Gene: CHEK2 (checkpoint kinase 2; minus strand). Cytogenetic location: 22q12.1.
Variant type: single nucleotide variant.
Coding change: c.1538C>A on transcript NM_007194.4 (MANE Select); coding-DNA position 1538, C replaced by A.
Protein change: p.Ala513Asp; replaces alanine 513 with aspartic acid.
Molecular consequence: missense variant.
Genome position (GRCh38, 1-based): chr22:28,689,139, G>T on the plus strand (C>A on the coding strand, the complement: CHEK2 is on the minus strand). VCF-style: chr22-28689139-G-T. GRCh37 (hg19) VCF-style: chr22-29085127-G-T.
Other names: c.1667C>A, p.Ala556Asp (NM_001005735.3); c.875C>A, p.Ala292Asp (NM_001257387.3); c.1337C>A, p.Ala446Asp (NM_001349956.3); c.1451C>A, p.Ala484Asp (NM_145862.3); short protein forms A292D, A484D, A556D, A446D, A513D.
Identifiers: ClinVar variation 2775062 (VCV002775062.1), dbSNP rs2145748123, ClinGen allele CA411092303.